The following is an entry in ClinVar:

ClinVar aggregate classification (germline): Uncertain significance (1 of 4 stars; one submission).

Submission:

Labcorp Genetics (formerly Invitae), Labcorp
Classification: Uncertain significance. Last evaluated: 2022-11-01. Review status: criteria provided, single submitter. Criteria: Invitae Variant Classification Sherloc (09022015). Collection method: clinical testing. Allele origin: germline.
Comment: Advanced modeling of protein sequence and biophysical properties (such as structural, functional, and spatial information, amino acid conservation, physicochemical variation, residue mobility, and thermodynamic stability) performed at Invitae indicates that this missense variant is not expected to disrupt DHX37 protein function. In summary, the available evidence is currently insufficient to determine the role of this variant in disease. Therefore, it has been classified as a Variant of Uncertain Significance. This sequence change replaces arginine, which is basic and polar, with serine, which is neutral and polar, at codon 703 of the DHX37 protein (p.Arg703Ser). This variant is not present in population databases (gnomAD no frequency). This variant has not been reported in the literature in individuals affected with DHX37-related conditions.

NM_032656.4(DHX37):c.2109G>C (p.Arg703Ser)

Gene: DHX37 (DEAH-box helicase 37; minus strand). Cytogenetic location: 12q24.31.
Variant type: single nucleotide variant.
Coding change: c.2109G>C on transcript NM_032656.4 (MANE Select); coding-DNA position 2109, G replaced by C.
Protein change: p.Arg703Ser; replaces arginine 703 with serine.
Molecular consequence: missense variant.
Genome position (GRCh38, 1-based): chr12:124,960,360, C>G on the plus strand (G>C on the coding strand, the complement: DHX37 is on the minus strand). VCF-style: chr12-124960360-C-G. GRCh37 (hg19) VCF-style: chr12-125444906-C-G.
Other names: short protein forms R703S.
Identifiers: ClinVar variation 2015162 (VCV002015162.4), dbSNP rs754959188, ClinGen allele CA387224053.